The following is an entry in ClinVar:

ClinVar aggregate classification (germline): Conflicting classifications of pathogenicity. Review status: criteria provided, conflicting classifications (1 of 4 stars). 4 submissions from 4 submitters: Uncertain significance (3); Likely benign (1). Last evaluated 2025-07-29.

Conditions:
Neutropenia, severe congenital, 1, autosomal dominant. Identifiers: MedGen C1859966, MONDO:0042490, OMIM 202700.
Cyclical neutropenia. Also called: Cyclic Neutropenia; Cyclic hematopoiesis. Identifiers: Orphanet 2686, MedGen C0221023, MONDO:0008090, OMIM 162800, HP:0040289. Disease mechanism: loss of function.
Inborn genetic diseases. Identifiers: MedGen C0950123, MeSH D030342.

Allele frequency attached by ClinVar (database versions not stated): gnomAD exomes 0.00001; ExAC 0.00003; ESP Exome Variant Server 0.00008; gnomAD 0.00009; TOPMed 0.00012; 1000 Genomes Project 30x 0.00031.
gnomAD v4.1: 23 of 1,596,584 alleles (0.0014%); highest among the groups gnomAD compares: African/African-American, 0.028%; no homozygotes.

Submissions (4):

Labcorp Genetics (formerly Invitae), Labcorp
Classification: Uncertain significance for Neutropenia, severe congenital, 1, autosomal dominant; Cyclical neutropenia. Last evaluated: 2025-07-29. Review status: criteria provided, single submitter. Criteria: Invitae Variant Classification Sherloc (09022015). Collection method: clinical testing. Allele origin: germline.
Comment: This sequence change replaces arginine, which is basic and polar, with glutamine, which is neutral and polar, at codon 35 of the ELANE protein (p.Arg35Gln). This variant is present in population databases (rs375350474, gnomAD 0.02%). This variant has not been reported in the literature in individuals affected with ELANE-related conditions. ClinVar contains an entry for this variant (Variation ID: 1506968). Invitae Evidence Modeling of protein sequence and biophysical properties (such as structural, functional, and spatial information, amino acid conservation, physicochemical variation, residue mobility, and thermodynamic stability) indicates that this missense variant is not expected to disrupt ELANE protein function with a negative predictive value of 95%. In summary, the available evidence is currently insufficient to determine the role of this variant in disease. Therefore, it has been classified as a Variant of Uncertain Significance.

Mayo Clinic Laboratories, Mayo Clinic
Classification: Uncertain significance. Last evaluated: 2025-02-19. Review status: criteria provided, single submitter. Criteria: ACMG Guidelines, 2015. Collection method: clinical testing. Allele origin: germline. Observed: 2 variant alleles.
Comment: BP4_moderate

Ambry Genetics
Classification: Likely benign for Inborn genetic diseases. Last evaluated: 2025-01-05. Review status: criteria provided, single submitter. Criteria: Ambry Variant Classification Scheme 2023. Collection method: clinical testing. Allele origin: germline.

Center for Genomics, Ann and Robert H. Lurie Children's Hospital of Chicago
Classification: Uncertain significance for Cyclical neutropenia; Neutropenia, severe congenital, 1, autosomal dominant. Review status: criteria provided, single submitter. Criteria: ACMG Guidelines, 2015. Collection method: clinical testing. Allele origin: germline.
Comment: This variant has not been reported in the literature but is present in the Genome Aggregation Database (Highest reported MAF: 0.03% [13/41464]), and in ClinVar (Variation ID: 1506986). Evolutationary conservation and computational prediction tools suggest that this variant may not impact the protein. In summary, data on this variant is insufficient for disease classification. Therefore, the clinical significance of this variant is uncertain.

NM_001972.4(ELANE):c.104G>A (p.Arg35Gln)

Gene: ELANE (elastase, neutrophil expressed; plus strand). Cytogenetic location: 19p13.3.
Variant type: single nucleotide variant.
Coding change: c.104G>A on transcript NM_001972.4 (MANE Select); coding-DNA position 104, G replaced by A.
Protein change: p.Arg35Gln; replaces arginine 35 with glutamine.
Molecular consequence: missense variant.
Genome position (GRCh38, 1-based): chr19:852,912, G>A. VCF-style: chr19-852912-G-A. GRCh37 (hg19) VCF-style: chr19-852912-G-A.
Other names: p.Arg35Gln; c.104G>A (NM_001972.2, NM_001972.3); short protein forms R35Q.
Identifiers: ClinVar variation 1506968 (VCV001506968.14), dbSNP rs375350474, ClinGen allele CA9025936.